The following is an entry in ClinVar:

ClinVar aggregate classification (germline): Uncertain significance (1 of 4 stars; one submission).

Submission:

Labcorp Genetics (formerly Invitae), Labcorp
Classification: Uncertain significance. Last evaluated: 2021-10-12. Review status: criteria provided, single submitter. Criteria: Invitae Variant Classification Sherloc (09022015). Collection method: clinical testing. Allele origin: germline.
Comment: This sequence change replaces proline with arginine at codon 848 of the COL18A1 protein (p.Pro848Arg). There is a moderate physicochemical difference between proline and arginine. This variant is not present in population databases (ExAC no frequency). In summary, the available evidence is currently insufficient to determine the role of this variant in disease. Therefore, it has been classified as a Variant of Uncertain Significance. Experimental studies and prediction algorithms are not available or were not evaluated, and the functional significance of this variant is currently unknown. This variant has not been reported in the literature in individuals affected with COL18A1-related conditions.

NM_001379500.1(COL18A1):c.2543C>G (p.Pro848Arg)

Gene: COL18A1 (collagen type XVIII alpha 1 chain; plus strand). Cytogenetic location: 21q22.3.
Variant type: single nucleotide variant.
Coding change: c.2543C>G on transcript NM_001379500.1 (MANE Select); coding-DNA position 2543, C replaced by G.
Protein change: p.Pro848Arg; replaces proline 848 with arginine.
Molecular consequence: missense variant.
Genome position (GRCh38, 1-based): chr21:45,496,534, C>G. VCF-style: chr21-45496534-C-G. GRCh37 (hg19) VCF-style: chr21-46916448-C-G.
Other names: c.3083C>G, p.Pro1028Arg (NM_030582.4); c.3788C>G, p.Pro1263Arg (NM_130444.3); short protein forms P1263R, P848R, P1028R.
Identifiers: ClinVar variation 1465809 (VCV001465809.6), dbSNP rs2146009338, ClinGen allele CA410497961.